The following is an entry in ClinVar:

ClinVar aggregate classification (germline): Uncertain significance. Review status: criteria provided, multiple submitters, no conflicts (2 of 4 stars). 3 submissions from 3 submitters: Uncertain significance (3). Last evaluated 2025-10-23.

Conditions:
Inborn genetic diseases. Identifiers: MedGen C0950123, MeSH D030342.
LAMA2-related muscular dystrophy (LAMA2-RD). Also called: Laminin alpha 2-related dystrophy. Identifiers: MedGen C5679788, MONDO:0100228.

Allele frequency attached by ClinVar (database versions not stated): gnomAD exomes below 0.00001; TOPMed 0.00001.
gnomAD v4.1: 1 of 1,596,768 alleles (0.000063%); highest among the groups gnomAD compares: Admixed American, 0.0017%; no homozygotes.

Submissions (3):

Ambry Genetics
Classification: Uncertain significance for Inborn genetic diseases. Last evaluated: 2025-10-23. Review status: criteria provided, single submitter. Criteria: Ambry Variant Classification Scheme 2023. Collection method: clinical testing. Allele origin: germline.

Labcorp Genetics (formerly Invitae), Labcorp
Classification: Uncertain significance for LAMA2-related muscular dystrophy. Last evaluated: 2025-07-10. Review status: criteria provided, single submitter. Criteria: Invitae Variant Classification Sherloc (09022015). Collection method: clinical testing. Allele origin: germline.
Comment: This sequence change replaces arginine, which is basic and polar, with glycine, which is neutral and non-polar, at codon 24 of the LAMA2 protein (p.Arg24Gly). The frequency data for this variant in the population databases is considered unreliable, as metrics indicate poor data quality at this position in the gnomAD database. This variant has not been reported in the literature in individuals affected with LAMA2-related conditions. ClinVar contains an entry for this variant (Variation ID: 1302659). Invitae Evidence Modeling of protein sequence and biophysical properties (such as structural, functional, and spatial information, amino acid conservation, physicochemical variation, residue mobility, and thermodynamic stability) indicates that this missense variant is not expected to disrupt LAMA2 protein function with a negative predictive value of 95%. In summary, the available evidence is currently insufficient to determine the role of this variant in disease. Therefore, it has been classified as a Variant of Uncertain Significance.

GeneDx
Classification: Uncertain significance. Last evaluated: 2019-03-18. Review status: criteria provided, single submitter. Criteria: GeneDx Variant Classification Process June 2021. Collection method: clinical testing. Allele origin: germline. Affected: yes.
Comment: Has not been previously published as pathogenic or benign to our knowledge; In silico analysis, which includes protein predictors and evolutionary conservation, supports that this variant does not alter protein structure/function; Not observed at a significant frequency in large population cohorts (Lek et al., 2016)

NM_000426.4(LAMA2):c.70C>G (p.Arg24Gly)

Gene: LAMA2 (laminin subunit alpha 2; plus strand). Cytogenetic location: 6q22.33.
Variant type: single nucleotide variant.
Coding change: c.70C>G on transcript NM_000426.4 (MANE Select); coding-DNA position 70, C replaced by G.
Protein change: p.Arg24Gly; replaces arginine 24 with glycine.
Molecular consequence: missense variant.
Genome position (GRCh38, 1-based): chr6:128,883,315, C>G. VCF-style: chr6-128883315-C-G. GRCh37 (hg19) VCF-style: chr6-129204460-C-G.
Other names: c.70C>G, p.Arg24Gly (NM_001079823.2); short protein forms R24G.
Identifiers: ClinVar variation 1302659 (VCV001302659.11), dbSNP rs868408509, ClinGen allele CA365828284.
Genomic context (GRCh38, chr6:128,883,315, plus strand): 5'-GCCGCCGGGGTCCTCCTCCTTCTGCTGCTCTCCGGAGGCCTCGGGGGCGTACAGGCGCAG[C>G]GGCCGCAGCAGCAGCGGCAGTCACAGGCACATCAGCAAAGAGGTACAGTCGAGGCATGGG-3'
Protein context (NP_000417.3, residues 14-34): SGGLGGVQAQ[Arg24Gly]PQQQRQSQAH